The following is an entry in ClinVar:

ClinVar aggregate classification (germline): Pathogenic (1 of 4 stars; one submission).

Conditions:
Infantile neuroaxonal dystrophy (NBIA2A). Also called: NEURODEGENERATION WITH BRAIN IRON ACCUMULATION 2A; SEITELBERGER DISEASE; Infantile neuroaxonal dystrophy 1. Identifiers: Orphanet 35069, MedGen C0270724, MONDO:0024457, OMIM 256600.

Submission:

Labcorp Genetics (formerly Invitae), Labcorp
Classification: Pathogenic for Infantile neuroaxonal dystrophy. Last evaluated: 2024-01-09. Review status: criteria provided, single submitter. Criteria: Invitae Variant Classification Sherloc (09022015). Collection method: clinical testing. Allele origin: unknown.
Comment: This variant is a gross deletion of the genomic region encompassing exon(s) 3-7 of the PLA2G6 gene. This deletion is out-of-frame, and is expected to create a premature termination codon and result in an absent or disrupted protein product. Loss-of-function variants in PLA2G6 are known to be pathogenic (PMID: 16783378, 18570303, 18799783, 22213678). This variant has not been reported in the literature in individuals affected with PLA2G6-related conditions. For these reasons, this variant has been classified as Pathogenic.

Literature cited by the submitters: PubMed 16783378; PubMed 18570303; PubMed 18799783; PubMed 22213678.

NC_000022.10:g.(?_38528818)_(38541680_?)del

Gene: PLA2G6 (phospholipase A2 group VI; minus strand). Cytogenetic location: 22q13.1.
Variant type: Deletion.
Identifiers: ClinVar variation 3247326 (VCV003247326.1).